The following is an entry in ClinVar:

ClinVar aggregate classification (germline): Likely benign (0 of 4 stars; one submission).

Conditions:
ATP13A4-related disorder. Also called: ATP13A4-related condition.

Allele frequency attached by ClinVar (database versions not stated): ExAC 0.00004; gnomAD exomes 0.00004; gnomAD 0.00036; TOPMed 0.00036.
gnomAD v4.1: 118 of 1,614,072 alleles (0.0073%); highest among the groups gnomAD compares: Admixed American, 0.19%; no homozygotes.

Submission:

PreventionGenetics, part of Exact Sciences
Classification: Likely benign for ATP13A4-related condition. Last evaluated: 2019-05-24. Review status: no assertion criteria provided. Collection method: clinical testing. Allele origin: germline.
Comment: This variant is classified as likely benign based on ACMG/AMP sequence variant interpretation guidelines (Richards et al. 2015 PMID: 25741868, with internal and published modifications).

NM_032279.4(ATP13A4):c.1974A>T (p.Ile658=)

Gene: ATP13A4 (ATPase 13A4; minus strand). Cytogenetic location: 3q29.
Variant type: single nucleotide variant.
Coding change: c.1974A>T on transcript NM_032279.4 (MANE Select); coding-DNA position 1974, A replaced by T.
Protein change: p.Ile658=; no amino-acid change (isoleucine 658 retained).
Molecular consequence: synonymous variant.
Genome position (GRCh38, 1-based): chr3:193,454,154, T>A on the plus strand (A>T on the coding strand, the complement: ATP13A4 is on the minus strand). VCF-style: chr3-193454154-T-A. GRCh37 (hg19) VCF-style: chr3-193171943-T-A.
Identifiers: ClinVar variation 3039081 (VCV003039081.2), dbSNP rs754954337, ClinGen allele CA2758218.